The following is an entry in ClinVar:

NM_001048174.2(MUTYH):c.1054C>G (p.Pro352Ala)

Gene: MUTYH (mutY DNA glycosylase; minus strand). Cytogenetic location: 1p34.1.
Variant type: single nucleotide variant.
Coding change: c.1054C>G on transcript NM_001048174.2 (MANE Select); coding-DNA position 1054, C replaced by G.
Protein change: p.Pro352Ala; replaces proline 352 with alanine.
Molecular consequence: missense variant. On other transcripts: non-coding transcript variant (2).
Genome position (GRCh38, 1-based): chr1:45,331,709, G>C on the plus strand (C>G on the coding strand, the complement: MUTYH is on the minus strand). VCF-style: chr1-45331709-G-C. GRCh37 (hg19) VCF-style: chr1-45797381-G-C.
Other names: c.1054C>G, p.Pro352Ala (NM_001048171.2, NM_001048173.2, NM_001293195.2); c.1057C>G, p.Pro353Ala (NM_001048172.2); c.1138C>G, p.Pro380Ala (NM_001128425.2); c.1099C>G, p.Pro367Ala (NM_001293190.2); c.1087C>G, p.Pro363Ala (NM_001293191.2); c.778C>G, p.Pro260Ala (NM_001293192.2, NM_001293196.2); c.709C>G, p.Pro237Ala (NM_001350650.2, NM_001350651.2); c.1129C>G, p.Pro377Ala (NM_012222.3); short protein forms P380A, P260A, P352A, P353A, P237A, P363A, P367A, P377A.
Identifiers: ClinVar variation 230670 (VCV000230670.13), dbSNP rs876658699, ClinGen allele CA10577714.

ClinVar aggregate classification (germline): Conflicting classifications of pathogenicity. Review status: criteria provided, conflicting classifications (1 of 4 stars). 4 submissions from 4 submitters: Uncertain significance (3); Likely benign (1). Last evaluated 2025-10-07.

Conditions:
Hereditary cancer-predisposing syndrome. Also called: Tumor predisposition; Hereditary Cancer Syndrome; Neoplastic Syndromes, Hereditary; Hereditary neoplastic syndrome. Identifiers: Orphanet 140162, MedGen C0027672, MeSH D009386, MONDO:0015356.
Familial adenomatous polyposis 2. Also called: MYH-associated polyposis; FAP type 2; ADENOMAS, MULTIPLE COLORECTAL, AUTOSOMAL RECESSIVE; MUTYH Polyposis; MUTYH-associated polyposis; MUTYH-related attenuated familial adenomatous polyposis. Identifiers: Orphanet 220460, Orphanet 247798, MedGen C3272841, MONDO:0012041, OMIM 608456.

Allele frequency attached by ClinVar (database versions not stated): gnomAD exomes below 0.00001.
gnomAD v4.1: 2 of 1,614,152 alleles (0.00012%); highest among the groups gnomAD compares: Non-Finnish European, 0.00017%; no homozygotes.

Submissions (4):

Labcorp Genetics (formerly Invitae), Labcorp
Classification: Uncertain significance for Familial adenomatous polyposis 2. Last evaluated: 2025-10-07. Review status: criteria provided, single submitter. Criteria: Invitae Variant Classification Sherloc (09022015). Collection method: clinical testing. Allele origin: germline.
Comment: This sequence change replaces proline, which is neutral and non-polar, with alanine, which is neutral and non-polar, at codon 380 of the MUTYH protein (p.Pro380Ala). This variant is not present in population databases (gnomAD no frequency). This variant has not been reported in the literature in individuals affected with MUTYH-related conditions. ClinVar contains an entry for this variant (Variation ID: 230670). An algorithm developed to predict the effect of missense changes on protein structure and function (PolyPhen-2) suggests that this variant is likely to be tolerated. In summary, the available evidence is currently insufficient to determine the role of this variant in disease. Therefore, it has been classified as a Variant of Uncertain Significance.

Ambry Genetics
Classification: Likely benign for Hereditary cancer-predisposing syndrome. Last evaluated: 2025-08-19. Review status: criteria provided, single submitter. Criteria: Ambry Variant Classification Scheme 2023. Collection method: clinical testing. Allele origin: germline.

Color Diagnostics, LLC DBA Color Health
Classification: Uncertain significance for Hereditary cancer-predisposing syndrome. Last evaluated: 2023-08-30. Review status: criteria provided, single submitter. Criteria: ACMG Guidelines, 2015. Collection method: clinical testing. Allele origin: germline.
Comment: This missense variant replaces proline with alanine at codon 380 of the MUTYH protein. Computational prediction suggests that this variant may not impact protein structure and function (internally defined REVEL score threshold <= 0.5, PMID: 27666373). To our knowledge, functional studies have not been reported for this variant. This variant has not been reported in individuals affected with MUTYH-related disorders in the literature. This variant has not been identified in the general population by the Genome Aggregation Database (gnomAD). The available evidence is insufficient to determine the role of this variant in disease conclusively. Therefore, this variant is classified as a Variant of Uncertain Significance.

Quest Diagnostics Nichols Institute San Juan Capistrano
Classification: Uncertain significance. Last evaluated: 2018-01-04. Review status: criteria provided, single submitter. Criteria: Quest Diagnostics criteria. Collection method: clinical testing. Allele origin: germline.

Literature cited by the submitters: PubMed 40738107 (cited by Ambry Genetics).